The following is an entry in ClinVar:

NM_003239.5(TGFB3):c.914A>C (p.Asn305Thr)

Gene: TGFB3 (transforming growth factor beta 3; minus strand). Cytogenetic location: 14q24.3.
Variant type: single nucleotide variant.
Coding change: c.914A>C on transcript NM_003239.5 (MANE Select); coding-DNA position 914, A replaced by C.
Protein change: p.Asn305Thr; replaces asparagine 305 with threonine.
Molecular consequence: missense variant.
Genome position (GRCh38, 1-based): chr14:75,963,328, T>G on the plus strand (A>C on the coding strand, the complement: TGFB3 is on the minus strand). VCF-style: chr14-75963328-T-G. GRCh37 (hg19) VCF-style: chr14-76429671-T-G.
Other names: c.914A>C, p.Asn305Thr (NM_001329938.2, NM_001329939.2); short protein forms N305T.
Identifiers: ClinVar variation 1502749 (VCV001502749.8), dbSNP rs369281541, ClinGen allele CA390468158.

ClinVar aggregate classification (germline): Uncertain significance (1 of 4 stars; one submission).

Conditions:
Rienhoff syndrome. Also called: LOEYS-DIETZ SYNDROME 5. Identifiers: MedGen C3810012, MONDO:0014262, OMIM 615582.

Submission:

Labcorp Genetics (formerly Invitae), Labcorp
Classification: Uncertain significance for Rienhoff syndrome. Last evaluated: 2021-01-15. Review status: criteria provided, single submitter. Criteria: Invitae Variant Classification Sherloc (09022015). Collection method: clinical testing. Allele origin: germline.
Comment: In summary, the available evidence is currently insufficient to determine the role of this variant in disease. Therefore, it has been classified as a Variant of Uncertain Significance. Algorithms developed to predict the effect of missense changes on protein structure and function are either unavailable or do not agree on the potential impact of this missense change (SIFT: "Deleterious"; PolyPhen-2: "Benign"; Align-GVGD: "Class C0"). This variant has not been reported in the literature in individuals with TGFB3-related conditions. This variant is not present in population databases (ExAC no frequency). This sequence change replaces asparagine with threonine at codon 305 of the TGFB3 protein (p.Asn305Thr). The asparagine residue is highly conserved and there is a small physicochemical difference between asparagine and threonine.